The following is an entry in ClinVar:

NM_022166.4(XYLT1):c.182C>G (p.Pro61Arg)

Gene: XYLT1 (xylosyltransferase 1; minus strand). Cytogenetic location: 16p12.3.
Variant type: single nucleotide variant.
Coding change: c.182C>G on transcript NM_022166.4 (MANE Select); coding-DNA position 182, C replaced by G.
Protein change: p.Pro61Arg; replaces proline 61 with arginine.
Molecular consequence: missense variant.
Genome position (GRCh38, 1-based): chr16:17,470,615, G>C on the plus strand (C>G on the coding strand, the complement: XYLT1 is on the minus strand). VCF-style: chr16-17470615-G-C. GRCh37 (hg19) VCF-style: chr16-17564472-G-C.
Other names: c.182C>G (NM_022166.3); short protein forms P61R.
Identifiers: ClinVar variation 1439132 (VCV001439132.5), dbSNP rs953238937, ClinGen allele CA279106530.
Genomic context (GRCh38, chr16:17,470,615, plus strand): 5'-CCTCCTCCTCGGGCTGCAGCCGGCTCGGCGGGCAGGTCCCGGCGCTCCCGGCGCGGGGCC[G>C]GGGCCGGGGGCGGCTGCTCCCCGCCGCCGACCGCTGCGCCCCCGCGGCGCTCCCCGGCCC-3'
Protein context (NP_071449.1, residues 51-71): VGGGEQPPPA[Pro61Arg]APRRERRDLP

ClinVar aggregate classification (germline): Uncertain significance. Review status: criteria provided, multiple submitters, no conflicts (2 of 4 stars). 2 submissions from 2 submitters: Uncertain significance (2). Last evaluated 2021-11-06.

Conditions:
Desbuquois dysplasia 1 (DBQD1). Also called: DESBUQUOIS DYSPLASIA 1, KIM VARIANT; MICROMELIC DWARFISM WITH VERTEBRAL AND METAPHYSEAL ABNORMALITIES AND ADVANCED CARPOTARSAL OSSIFICATION. Identifiers: Orphanet 1425, MedGen C4012146, MONDO:0009629, OMIM 251450.
Inborn genetic diseases. Identifiers: MedGen C0950123, MeSH D030342.

Allele frequency attached by ClinVar (database versions not stated): gnomAD 0.00001.
gnomAD v4.1: 16 of 1,122,828 alleles (0.0014%); highest among the groups gnomAD compares: Admixed American, 0.0051%; no homozygotes.

Submissions (2):

Labcorp Genetics (formerly Invitae), Labcorp
Classification: Uncertain significance for Desbuquois dysplasia 1. Last evaluated: 2021-11-06. Review status: criteria provided, single submitter. Criteria: Invitae Variant Classification Sherloc (09022015). Collection method: clinical testing. Allele origin: germline.
Comment: The frequency data for this variant in the population databases is considered unreliable, as metrics indicate poor data quality at this position in the gnomAD database. This sequence change replaces proline, which is neutral and non-polar, with arginine, which is basic and polar, at codon 61 of the XYLT1 protein (p.Pro61Arg). This variant has not been reported in the literature in individuals affected with XYLT1-related conditions. In summary, the available evidence is currently insufficient to determine the role of this variant in disease. Therefore, it has been classified as a Variant of Uncertain Significance. Algorithms developed to predict the effect of missense changes on protein structure and function are either unavailable or do not agree on the potential impact of this missense change (SIFT: "Tolerated"; PolyPhen-2: "Not Available"; Align-GVGD: "Class C0").

Ambry Genetics
Classification: Uncertain significance for Inborn genetic diseases. Last evaluated: 2021-06-11. Review status: criteria provided, single submitter. Criteria: Ambry Variant Classification Scheme 2023. Collection method: clinical testing. Allele origin: germline.